The following is an entry in ClinVar:

NC_012920.1(MT-CO1):m.7419G>A

Gene: MT-CO1 (mitochondrially encoded cytochrome c oxidase I; plus strand).
Variant type: single nucleotide variant.
Genome position: chrM-7419-G-A.
Identifiers: ClinVar variation 692743 (VCV000692743.1), dbSNP rs1603220951, ClinGen allele CA414792783.
Genomic context (GRCh38, chrMT:7,419, plus strand): 5'-GAAGAACCCTCCATAAACCTGGAGTGACTATATGGATGCCCCCCACCCTACCACACATTC[G>A]AAGAACCCGTATACATAAAATCTAGACAAAAAAGGAAGGAATCGAACCCCCCAAAGCTGG-3'

ClinVar aggregate classification (germline): Benign (1 of 4 stars; one submission).

Conditions:
Leigh syndrome (NULS). Also called: Leigh's necrotizing encephalopathy; Leigh's disease; Leigh Syndrome (mtDNA deletion); Leigh Disease; Subacute necrotizing encephalopathy; Necrotizing encephalopathy infantile subacute of Leigh. Identifiers: Orphanet 506, MedGen C2931891, MONDO:0009723, OMIM 256000.

Submission:

Wong Mito Lab, Molecular and Human Genetics, Baylor College of Medicine
Classification: Benign for Leigh syndrome. Last evaluated: 2019-10-17. Review status: criteria provided, single submitter. Criteria: Modified ACMG Guidelines (Unpublished). Collection method: clinical testing. Allele origin: germline.
Comment: The NC_012920.1:m.7419G>A (YP_003024028.1:p.Glu506Lys) variant in MTCO1 gene is interpretated to be a Benign variant based on the modified ACMG guidelines (unpublished). This variant meets the following evidence codes: BS1, BS2, BP4